The following is an entry in ClinVar:

ClinVar aggregate classification (germline): Likely benign. Review status: criteria provided, multiple submitters, no conflicts (2 of 4 stars). 3 submissions from 3 submitters: Likely benign (2). 1 of the submissions does not count toward it. Last evaluated 2026-02-01.

Conditions:
PLXNA1-related disorder. Also called: PLXNA1-related condition.

Allele frequency attached by ClinVar (database versions not stated): ExAC 0.00004; gnomAD 0.00007; ESP Exome Variant Server 0.00008; TOPMed 0.00009.

Submissions (5):

CeGaT Center for Human Genetics Tuebingen
Classification: Likely benign. Last evaluated: 2026-02-01. Review status: criteria provided, single submitter. Criteria: CeGaT Center For Human Genetics Tuebingen Variant Classification Criteria Version 2. Collection method: clinical testing. Allele origin: germline. Affected: yes. Observed: 2 variant alleles.
Comment: PLXNA1: BP4, BP7

Labcorp Genetics (formerly Invitae), Labcorp
Classification: Likely benign. Last evaluated: 2025-04-17. Review status: criteria provided, single submitter. Criteria: Invitae Variant Classification Sherloc (09022015). Collection method: clinical testing. Allele origin: germline.

PreventionGenetics, part of Exact Sciences
Classification: Likely benign for PLXNA1-related condition. Last evaluated: 2023-08-25. Review status: no assertion criteria provided. Collection method: clinical testing. Allele origin: germline. Not counted in ClinVar's aggregate classification.
Comment: This variant is classified as likely benign based on ACMG/AMP sequence variant interpretation guidelines (Richards et al. 2015 PMID: 25741868, with internal and published modifications).

Dr. Peter K. Rogan Lab, Western University
No classification provided (evidence only). Condition: Malignant tumor of urinary bladder. Review status: no classification provided. Collection method: in vitro. Allele origin: not applicable. Functional consequence: retained intron. Not counted in ClinVar's aggregate classification.

Dr. Peter K. Rogan Lab, Western University
No classification provided (evidence only). Condition: Gastric cancer. Review status: no classification provided. Collection method: in vitro. Allele origin: not applicable. Functional consequence: retained intron. Not counted in ClinVar's aggregate classification.

NM_032242.4(PLXNA1):c.3756C>T (p.Gly1252=)

Gene: PLXNA1 (plexin A1; plus strand). Cytogenetic location: 3q21.3.
Variant type: single nucleotide variant.
Coding change: c.3756C>T on transcript NM_032242.4 (MANE Select); coding-DNA position 3756, C replaced by T.
Protein change: p.Gly1252=; no amino-acid change (glycine 1252 retained).
Molecular consequence: synonymous variant.
Genome position (GRCh38, 1-based): chr3:127,018,389, C>T. VCF-style: chr3-127018389-C-T. GRCh37 (hg19) VCF-style: chr3-126737232-C-T.
Other names: NC_000003.11:g.126737232C>T; c.3756C>T (NM_032242.3).
Identifiers: ClinVar variation 2654101 (VCV002654101.27), dbSNP rs372288675, ClinGen allele CA2594133.